The following is an entry in ClinVar:

NM_001042492.3(NF1):c.6017T>G (p.Leu2006Arg)

Gene: NF1 (neurofibromin 1; plus strand). Cytogenetic location: 17q11.2.
Variant type: single nucleotide variant.
Coding change: c.6017T>G on transcript NM_001042492.3 (MANE Select); coding-DNA position 6017, T replaced by G.
Protein change: p.Leu2006Arg; replaces leucine 2006 with arginine.
Molecular consequence: missense variant.
Genome position (GRCh38, 1-based): chr17:31,336,343, T>G. VCF-style: chr17-31336343-T-G. GRCh37 (hg19) VCF-style: chr17-29663361-T-G.
Other names: c.5954T>G, p.Leu1985Arg (NM_000267.4); short protein forms L1985R, L2006R.
Identifiers: ClinVar variation 3634580 (VCV003634580.2).

ClinVar aggregate classification (germline): Uncertain significance (1 of 4 stars; one submission).

Conditions:
Neurofibromatosis, type 1 (NF1). Also called: VON RECKLINGHAUSEN DISEASE; Peripheral type neurofibromatosis; NEUROFIBROMATOSIS, TYPE I, SOMATIC; Neurofibromatosis, type I. Identifiers: Orphanet 636, MedGen C0027831, MONDO:0018975, OMIM 162200. Disease mechanism: loss of function.

Submission:

Labcorp Genetics (formerly Invitae), Labcorp
Classification: Uncertain significance for Neurofibromatosis, type 1. Last evaluated: 2024-10-15. Review status: criteria provided, single submitter. Criteria: Invitae Variant Classification Sherloc (09022015). Collection method: clinical testing. Allele origin: germline.
Comment: This sequence change replaces leucine, which is neutral and non-polar, with arginine, which is basic and polar, at codon 1985 of the NF1 protein (p.Leu1985Arg). This variant is not present in population databases (gnomAD no frequency). This variant has not been reported in the literature in individuals affected with NF1-related conditions. Invitae Evidence Modeling of protein sequence and biophysical properties (such as structural, functional, and spatial information, amino acid conservation, physicochemical variation, residue mobility, and thermodynamic stability) indicates that this missense variant is expected to disrupt NF1 protein function with a positive predictive value of 95%. In summary, the available evidence is currently insufficient to determine the role of this variant in disease. Therefore, it has been classified as a Variant of Uncertain Significance.